The following is an entry in ClinVar:

NM_017739.4(POMGNT1):c.1568A>G (p.Asn523Ser)

Genes: POMGNT1 (protein O-linked mannose N-acetylglucosaminyltransferase 1 (beta 1,2-); minus strand), TSPAN1 (tetraspanin 1; plus strand). Cytogenetic location: 1p34.1.
Variant type: single nucleotide variant.
Coding change: c.1568A>G on transcript NM_017739.4 (MANE Select); coding-DNA position 1568, A replaced by G.
Protein change: p.Asn523Ser; replaces asparagine 523 with serine.
Molecular consequence: missense variant.
Genome position (GRCh38, 1-based): chr1:46,190,756, T>C on the plus strand (A>G on the coding strand, the complement: POMGNT1 is on the minus strand). VCF-style: chr1-46190756-T-C. GRCh37 (hg19) VCF-style: chr1-46656428-T-C.
Other names: c.1568A>G, p.Asn523Ser (NM_001243766.2, NM_001410783.1); c.1502A>G, p.Asn501Ser (NM_001290129.3); c.1139A>G, p.Asn380Ser (NM_001290130.2); short protein forms N523S, N501S, N380S.
Identifiers: ClinVar variation 1516037 (VCV001516037.6), dbSNP rs372610527, ClinGen allele CA21911174.

ClinVar aggregate classification (germline): Uncertain significance. Review status: criteria provided, multiple submitters, no conflicts (2 of 4 stars). 3 submissions from 3 submitters: Uncertain significance (3). Last evaluated 2025-06-06.

Conditions:
Inborn genetic diseases. Identifiers: MedGen C0950123, MeSH D030342.
Autosomal recessive limb-girdle muscular dystrophy type 2O. Also called: Limb-Girdle Muscular Dystrophy Type 3C; MUSCULAR DYSTROPHY-DYSTROGLYCANOPATHY (LIMB-GIRDLE), TYPE C, 3; MUSCULAR DYSTROPHY-DYSTROGLYCANOPATHY, LIMB-GIRDLE, POMGNT1-RELATED. Identifiers: Orphanet 206564, MedGen C3150417, MONDO:0013161, OMIM 613157.
Muscular dystrophy-dystroglycanopathy (congenital with impaired intellectual development), type B, 3. Also called: Muscular dystrophy-dystroglycanopathy (congenital with intellectual disability), type B3; MUSCULAR DYSTROPHY, CONGENITAL, POMGNT1-RELATED. Identifiers: MedGen C3150412, MONDO:0013155, OMIM 613151.

Allele frequency attached by ClinVar (database versions not stated): gnomAD 0.00003 and 0.00004; ESP Exome Variant Server 0.00008; gnomAD exomes below 0.00001; TOPMed 0.00005.
gnomAD v4.1: 9 of 1,613,850 alleles (0.00056%); highest among the groups gnomAD compares: African/African-American, 0.012%; no homozygotes.

Submissions (3):

Ambry Genetics
Classification: Uncertain significance for Inborn genetic diseases. Last evaluated: 2025-06-06. Review status: criteria provided, single submitter. Criteria: Ambry Variant Classification Scheme 2023. Collection method: clinical testing. Allele origin: germline.

Labcorp Genetics (formerly Invitae), Labcorp
Classification: Uncertain significance for Autosomal recessive limb-girdle muscular dystrophy type 2O; Muscular dystrophy-dystroglycanopathy (congenital with impaired intellectual development), type B, 3. Last evaluated: 2022-07-11. Review status: criteria provided, single submitter. Criteria: Invitae Variant Classification Sherloc (09022015). Collection method: clinical testing. Allele origin: germline.
Comment: This sequence change replaces asparagine, which is neutral and polar, with serine, which is neutral and polar, at codon 523 of the POMGNT1 protein (p.Asn523Ser). This variant is present in population databases (rs372610527, gnomAD 0.008%). This variant has not been reported in the literature in individuals affected with POMGNT1-related conditions. ClinVar contains an entry for this variant (Variation ID: 1516037). Advanced modeling of protein sequence and biophysical properties (such as structural, functional, and spatial information, amino acid conservation, physicochemical variation, residue mobility, and thermodynamic stability) performed at Invitae indicates that this missense variant is not expected to disrupt POMGNT1 protein function. In summary, the available evidence is currently insufficient to determine the role of this variant in disease. Therefore, it has been classified as a Variant of Uncertain Significance.

Revvity Omics, Revvity
Classification: Uncertain significance. Last evaluated: 2021-02-23. Review status: criteria provided, single submitter. Criteria: ACMG Guidelines, 2015. Collection method: clinical testing. Allele origin: germline.